The following is an entry in ClinVar:

ClinVar aggregate classification (germline): Pathogenic (1 of 4 stars; one submission).

Conditions:
RYR1-related disorder. Also called: RYR1-related disorders; RYR1-related condition. Identifiers: MedGen CN239331.

Submission:

Labcorp Genetics (formerly Invitae), Labcorp
Classification: Pathogenic for RYR1-Related Disorders. Last evaluated: 2019-12-12. Review status: criteria provided, single submitter. Criteria: Invitae Variant Classification Sherloc (09022015). Collection method: clinical testing. Allele origin: germline.
Comment: This sequence change creates a premature translational stop signal (p.Val3633Argfs*19) in the RYR1 gene. It is expected to result in an absent or disrupted protein product. This variant is not present in population databases (ExAC no frequency). This variant has not been reported in the literature in individuals with RYR1-related conditions. Loss-of-function variants in RYR1 are known to be pathogenic (PMID: 20583297, 20839240, 23919265, 28818389). For these reasons, this variant has been classified as Pathogenic.

NM_000540.3(RYR1):c.10896dup (p.Val3633fs)

Gene: RYR1 (ryanodine receptor 1; plus strand). Cytogenetic location: 19q13.2.
Variant type: Duplication.
Coding change: c.10896dup on transcript NM_000540.3 (MANE Select); coding-DNA position 10896, one base duplicated (C; older notation c.10896dupC).
Protein change: p.Val3633fs; shifts the reading frame from valine 3633.
Molecular consequence: frameshift variant.
Genome position (GRCh38, 1-based): chr19:38,528,377, C duplicated. VCF-style (leftmost placement, unchanged base first): chr19-38528376-T-TC. GRCh37 (hg19) VCF-style: chr19-39019016-T-TC.
Other names: c.10881dup, p.Val3628fs (NM_001042723.2); short protein forms V3628fs, V3633fs.
Identifiers: ClinVar variation 967221 (VCV000967221.1), dbSNP rs1971574442, ClinGen allele CA1139666422.